The following is an entry in ClinVar:

NM_001206927.2(DNAH8):c.7421C>G (p.Ser2474Cys)

Gene: DNAH8 (dynein axonemal heavy chain 8; plus strand). Cytogenetic location: 6p21.2.
Variant type: single nucleotide variant.
Coding change: c.7421C>G on transcript NM_001206927.2 (MANE Select); coding-DNA position 7421, C replaced by G.
Protein change: p.Ser2474Cys; replaces serine 2474 with cysteine.
Molecular consequence: missense variant.
Genome position (GRCh38, 1-based): chr6:38,873,089, C>G. VCF-style: chr6-38873089-C-G. GRCh37 (hg19) VCF-style: chr6-38840865-C-G.
Other names: c.6770C>G, p.Ser2257Cys (NM_001371.4); short protein forms S2474C, S2257C.
Identifiers: ClinVar variation 3708890 (VCV003708890.2).

ClinVar aggregate classification (germline): Uncertain significance (1 of 4 stars; one submission).

Conditions:
Primary ciliary dyskinesia. Also called: Ciliary dyskinesia. Identifiers: Orphanet 244, MedGen C0008780, MONDO:0016575, HP:0012265.

Submission:

Labcorp Genetics (formerly Invitae), Labcorp
Classification: Uncertain significance for Primary ciliary dyskinesia. Last evaluated: 2025-01-29. Review status: criteria provided, single submitter. Criteria: Invitae Variant Classification Sherloc (09022015). Collection method: clinical testing. Allele origin: germline.
Comment: This sequence change replaces serine, which is neutral and polar, with cysteine, which is neutral and slightly polar, at codon 2474 of the DNAH8 protein (p.Ser2474Cys). This variant is not present in population databases (gnomAD no frequency). This variant has not been reported in the literature in individuals affected with DNAH8-related conditions. Invitae Evidence Modeling of protein sequence and biophysical properties (such as structural, functional, and spatial information, amino acid conservation, physicochemical variation, residue mobility, and thermodynamic stability) indicates that this missense variant is expected to disrupt DNAH8 protein function with a positive predictive value of 80%. Algorithms developed to predict the effect of sequence changes on RNA splicing suggest that this variant may disrupt the consensus splice site. In summary, the available evidence is currently insufficient to determine the role of this variant in disease. Therefore, it has been classified as a Variant of Uncertain Significance.